The following is an entry in ClinVar:

NM_012144.4(DNAI1):c.526G>T (p.Glu176Ter)

Gene: DNAI1 (dynein axonemal intermediate chain 1; plus strand). Cytogenetic location: 9p13.3.
Variant type: single nucleotide variant.
Coding change: c.526G>T on transcript NM_012144.4 (MANE Select); coding-DNA position 526, G replaced by T.
Protein change: p.Glu176Ter; replaces glutamic acid 176 with a stop codon.
Molecular consequence: nonsense.
Genome position (GRCh38, 1-based): chr9:34,490,393, G>T. VCF-style: chr9-34490393-G-T. GRCh37 (hg19) VCF-style: chr9-34490391-G-T.
Other names: c.538G>T, p.Glu180Ter (NM_001281428.2); short protein forms E176*, E180*.
Identifiers: ClinVar variation 3366948 (VCV003366948.2).

ClinVar aggregate classification (germline): Pathogenic. Review status: criteria provided, multiple submitters, no conflicts (2 of 4 stars). 2 submissions from 2 submitters: Pathogenic (2). Last evaluated 2024-09-26.

Conditions:
Kartagener syndrome (CILD1). Also called: CILIARY DYSKINESIA, PRIMARY, 1; CILIARY DYSKINESIA, PRIMARY, 1, WITH OR WITHOUT SITUS INVERSUS; IMMOTILE CILIA SYNDROME; POLYNESIAN BRONCHIECTASIS; Dextrocardia bronchiectasis and sinusitis; SIEWERT SYNDROME. Identifiers: Orphanet 244, MedGen C4551906, MONDO:0009484, OMIM 244400.

Submissions (2):

Institute of Immunology and Genetics Kaiserslautern
Classification: Pathogenic for Kartagener syndrome. Last evaluated: 2024-09-26. Review status: criteria provided, single submitter. Criteria: ACMG Guidelines, 2015. Collection method: clinical testing. Allele origin: germline. Affected: yes.
Comment: ACMG Criteria: PVS1, PM2, PP4; Variant was found in heterozygous state.

Myriad Genetics, Inc.
Classification: Pathogenic for Kartagener syndrome. Last evaluated: 2024-08-09. Review status: criteria provided, single submitter. Criteria: Myriad Autosomal Dominant, Autosomal Recessive and X-Linked Classification Criteria (2023). Collection method: clinical testing. Allele origin: unknown.
Comment: NM_012144.2(DNAI1):c.526G>T(E176*) is expected to be pathogenic in the context of primary ciliary dyskinesia, DNAI1-related. This variant is predicted to lead to an abnormal or absent protein product due to the creation of a premature termination codon in DNAI1, a gene where loss-of-function variants are known to be pathogenic. Please note: this variant was assessed in the context of healthy population screening.